The following is an entry in ClinVar:

ClinVar aggregate classification (germline): Uncertain significance (1 of 4 stars; one submission).

Submission:

Dasa
Classification: Uncertain significance. Last evaluated: 2026-03-09. Review status: criteria provided, single submitter. Criteria: DASA Assertion Criteria. Collection method: clinical testing. Allele origin: germline.
Comment: NM_030948.6(PHACTR1):c.1177A>T (p.Thr393Ser) is a missense variant that results in the substitution of threonine with serine. This variant is rare in population databases. Computational prediction algorithms are consistent with a benign effect. The currently available literature and clinical evidence are not sufficient to establish a definitive association between this variant and the reported condition. Therefore, this variant is classified as a variant of uncertain significance.

NM_030948.6(PHACTR1):c.1177A>T (p.Thr393Ser)

Gene: PHACTR1 (phosphatase and actin regulator 1; plus strand). Cytogenetic location: 6p24.1.
Variant type: single nucleotide variant.
Coding change: c.1177A>T on transcript NM_030948.6 (MANE Select); coding-DNA position 1177, A replaced by T.
Protein change: p.Thr393Ser; replaces threonine 393 with serine.
Molecular consequence: missense variant.
Genome position (GRCh38, 1-based): chr6:13,228,006, A>T. VCF-style: chr6-13228006-A-T. GRCh37 (hg19) VCF-style: chr6-13228238-A-T.
Other names: c.1177A>T, p.Thr393Ser (NM_001322308.3, NM_001322309.3, NM_001374581.2 and 1 more transcripts); c.1384A>T, p.Thr462Ser (NM_001322310.2, NM_001374582.1); c.901A>T, p.Thr301Ser (NM_001322311.2, NM_001322312.3, NM_001374583.2); c.1108A>T, p.Thr370Ser (NM_001322313.2); c.1387A>T, p.Thr463Ser (NM_001322314.4); short protein forms T301S, T370S, T393S, T462S, T463S.
Identifiers: ClinVar variation 4881225 (VCV004881225.2).
Genomic context (GRCh38, chr6:13,228,006, plus strand): 5'-GATGACAATAAAGAAAATGTGCCTCATGAGTCAGACTACGAAGACTCTTCTTGCCTGTAT[A>T]CAAGAGAAGAGGAGGAAGAGGAGGAGGACGAAGACGACGACAGCTCATTATACACCAGTG-3'
Protein context (NP_112210.1, residues 383-403): SDYEDSSCLY[Thr393Ser]REEEEEEEDE